The following is an entry in ClinVar:

ClinVar aggregate classification (germline): Likely pathogenic. Review status: criteria provided, multiple submitters, no conflicts (2 of 4 stars). 4 submissions from 3 submitters: Likely pathogenic (3). 1 of the submissions does not count toward it. Last evaluated 2025-04-01.

Conditions:
Cardiovascular phenotype. Identifiers: MedGen CN230736.
Autosomal recessive limb-girdle muscular dystrophy type 2J (LGMDR10). Also called: Limb-girdle muscular dystrophy, type 2J; MUSCULAR DYSTROPHY, LIMB-GIRDLE, AUTOSOMAL RECESSIVE 10. Identifiers: Orphanet 140922, MedGen C1837342, MONDO:0012127, OMIM 608807.
Dilated cardiomyopathy 1G (CMD1G). Identifiers: Orphanet 154, MedGen C1858763, MONDO:0011400, OMIM 604145.

Submissions (4):

Labcorp Genetics (formerly Invitae), Labcorp
Classification: Likely pathogenic for Dilated cardiomyopathy 1G; Autosomal recessive limb-girdle muscular dystrophy type 2J. Last evaluated: 2025-04-01. Review status: criteria provided, single submitter. Criteria: Invitae Variant Classification Sherloc (09022015). Collection method: clinical testing. Allele origin: germline.
Comment: This sequence change creates a premature translational stop signal (p.Pro21563Leufs*10) in the TTN gene. While this is not anticipated to result in nonsense mediated decay, it is expected to create a truncated TTN protein. The frequency data for this variant in the population databases is considered unreliable, as metrics indicate poor data quality at this position in the gnomAD database. This premature translational stop signal has been observed in individual(s) with dilated cardiomyopathy (PMID: 32815318, 32880476, 36971006). ClinVar contains an entry for this variant (Variation ID: 235071). This variant is located in the A band of TTN (PMID: 25589632). Truncating variants in this region are significantly overrepresented in patients affected with dilated cardiomyopathy (PMID: 25589632). Truncating variants in this region have also been reported in individuals affected with autosomal recessive centronuclear myopathy (PMID: 23975875). In summary, the currently available evidence indicates that the variant is pathogenic, but additional data are needed to prove that conclusively. Therefore, this variant has been classified as Likely Pathogenic.

Labcorp Genetics (formerly Invitae), Labcorp
Classification: Likely pathogenic for Dilated cardiomyopathy 1G. Last evaluated: 2017-06-21. Review status: criteria provided, single submitter. Criteria: Invitae Variant Classification Sherloc (09022015). Collection method: clinical testing. Allele origin: germline.
Comment: This sequence change creates a premature translational stop signal (p.Pro21563Leufs*10) in the TTN gene. It is expected to result in an absent or disrupted protein product. This variant is not present in population databases (ExAC no frequency). This variant has not been reported in the literature in individuals with a TTN-related disease. ClinVar contains an entry for this variant (Variation ID: 235071). This variant is found in the A-band of this gene. While this particular variant has not been reported in the literature, truncating variants in the A-band of TTN are significantly overrepresented in patients with dilated cardiomyopathy and are considered to be likely pathogenic for the disease (PMID: 25589632) In summary, the currently available evidence indicates that the variant is pathogenic, but additional data are needed to prove that conclusively. Therefore, this variant has been classified as Likely Pathogenic.

Ambry Genetics
Classification: Likely pathogenic for Cardiovascular phenotype. Last evaluated: 2013-01-09. Review status: criteria provided, single submitter. Criteria: Ambry Autosomal Dominant and X-Linked criteria (10/2015). Collection method: clinical testing. Allele origin: germline. Observed: 1 variant allele.

Stanford Center for Inherited Cardiovascular Disease, Stanford University
Classification: Uncertain significance. Last evaluated: 2012-12-01. Review status: no assertion criteria provided. Collection method: clinical testing. Allele origin: germline. Observed: 1 variant allele. Not counted in ClinVar's aggregate classification.
Comment: Note this variant was found in clinical genetic testing performed by one or more labs who may also submit to ClinVar. Thus any internal case data may overlap with the internal case data of other labs. The interpretation reviewed below is that of the Stanford Center for Inherited Cardiovascular Disease. c.56984delC in TTN (frameshift) The c.56984delC frameshift variant has not been previously reported in association with disease. It is a type of truncating variant, however, that has been seen with relatively high frequency in patients with DCM (Herman et al. 2012). This one nucleotide deletion, located in exon 259 (coding exon 258) of the TTN gene, results in a translational frameshift with a predicted alternate stop codon at position 19004. Ambry notes that frameshifts are typically deleterious in any gene (ACMG Recommendations for Standards for Interpretation and Reporting of Sequence Variations. Revision 2007. Genet Med 2008;10:294). Furthermore, truncating TTN variants have been shown by Herman et al. (2012) to be present in 27% of patients with familial dilated cardiomyopathy (DCM) versus approximately 1% of patients with hypertrophic cardiomyopathy (HCM) and 3% of controls. Herman et al. report that they observed strong cosegregation (lod score, 9.3) of nonsense and frameshift variants with clinical status among 60 members of 16 families affected by DCM, indicating an odds of approximately 1 in 10^9 that the segregation of these TTN variants occurred by chance. TTN truncating mutations found in subjects with dilated cardiomyopathy (as opposed to those found in subjects without the disease) were nonrandomly distributed within titin: they were overrepresented in the A-band region. Our patient’s variant is also located in the A-band region. However, we are classifying it as a VUS, probably disease-causing, since this same type of variant can be seen in controls.

Literature cited by the submitters: PubMed 32815318 (cited by Labcorp Genetics (formerly Invitae), Labcorp); PubMed 32880476 (cited by Labcorp Genetics (formerly Invitae), Labcorp); PubMed 36971006 (cited by Labcorp Genetics (formerly Invitae), Labcorp); PubMed 25589632 (cited by Labcorp Genetics (formerly Invitae), Labcorp); PubMed 23975875 (cited by Labcorp Genetics (formerly Invitae), Labcorp).

NM_001267550.2(TTN):c.64688del (p.Pro21563fs)

Genes: TTN (titin; minus strand), TTN-AS1 (TTN antisense RNA 1; plus strand). Cytogenetic location: 2q31.2.
Variant type: Deletion.
Coding change: c.64688del on transcript NM_001267550.2 (MANE Select); coding-DNA position 64688, one base deleted (C; older notation c.64688delC).
Protein change: p.Pro21563fs; shifts the reading frame from proline 21563.
Molecular consequence: frameshift variant. On other transcripts: non-coding transcript variant (1).
Genome position (GRCh38, 1-based): chr2:178,584,953, G deleted on the plus strand (C on the coding strand, the reverse complement: TTN is on the minus strand); the first of 6 consecutive G bases (chr2:178,584,953-178,584,958); deleting any one gives the same sequence. VCF-style (leftmost placement, unchanged base first): chr2-178584952-AG-A. GRCh37 (hg19) VCF-style: chr2-179449679-AG-A.
Other names: c.64688delC (NM_001267550.2); c.56984delC (NM_133378.4); c.59765del, p.Pro19922fs (NM_001256850.1); c.37493del, p.Pro12498fs (NM_003319.4); c.37868del, p.Pro12623fs (NM_133432.3); c.38069del, p.Pro12690fs (NM_133437.4); short protein forms P12623fs, P12498fs, P21563fs, P12690fs, P19922fs.
Identifiers: ClinVar variation 235071 (VCV000235071.13), dbSNP rs774395395, ClinGen allele CA10581139.